The following is an entry in ClinVar:

NM_000038.6(APC):c.7342C>T (p.Pro2448Ser)

Gene: APC (APC regulator of Wnt signaling pathway; plus strand). Cytogenetic location: 5q22.2.
Variant type: single nucleotide variant.
Coding change: c.7342C>T on transcript NM_000038.6 (MANE Select); coding-DNA position 7342, C replaced by T.
Protein change: p.Pro2448Ser; replaces proline 2448 with serine.
Molecular consequence: missense variant.
Genome position (GRCh38, 1-based): chr5:112,842,936, C>T. VCF-style: chr5-112842936-C-T. GRCh37 (hg19) VCF-style: chr5-112178633-C-T.
Other names: c.7342C>T, p.Pro2448Ser (NM_001127510.3, NM_001354895.2); c.7288C>T, p.Pro2430Ser (NM_001127511.3); c.7396C>T, p.Pro2466Ser (NM_001354896.2); c.7372C>T, p.Pro2458Ser (NM_001354897.2); c.7267C>T, p.Pro2423Ser (NM_001354898.2); c.7258C>T, p.Pro2420Ser (NM_001354899.2); c.7219C>T, p.Pro2407Ser (NM_001354900.2); c.7165C>T, p.Pro2389Ser (NM_001354901.2); and 5 more; short protein forms P2448S, P2430S, P2322S, P2347S, P2407S, P2420S, P2423S, P2165S.
Identifiers: ClinVar variation 628916 (VCV000628916.25), dbSNP rs1561614782, ClinGen allele CA16037322.

ClinVar aggregate classification (germline): Uncertain significance. Review status: criteria provided, multiple submitters, no conflicts (2 of 4 stars). 5 submissions from 5 submitters: Uncertain significance (5). Last evaluated 2025-11-10.

Conditions:
Hereditary cancer-predisposing syndrome. Also called: Neoplastic Syndromes, Hereditary; Tumor predisposition; Hereditary neoplastic syndrome; Hereditary Cancer Syndrome. Identifiers: Orphanet 140162, MedGen C0027672, MeSH D009386, MONDO:0015356.
Familial adenomatous polyposis 1 (FAP1). Also called: POLYPOSIS, ADENOMATOUS INTESTINAL; FAMILIAL ADENOMATOUS POLYPOSIS 1, ATTENUATED. Identifiers: MedGen C2713442, MONDO:0021056, OMIM 175100. Disease mechanism: loss of function.

Submissions (5):

Ambry Genetics
Classification: Uncertain significance for Hereditary cancer-predisposing syndrome. Last evaluated: 2025-11-10. Review status: criteria provided, single submitter. Criteria: Ambry Variant Classification Scheme 2023. Collection method: clinical testing. Allele origin: germline.
Comment: The p.P2448S variant (also known as c.7342C>T), located in coding exon 15 of the APC gene, results from a C to T substitution at nucleotide position 7342. The proline at codon 2448 is replaced by serine, an amino acid with similar properties. This amino acid position is highly conserved in available vertebrate species. In addition, in silico predictors for this gene do not accurately predict pathogenicity. Missense alterations in APC are not a common cause of disease (Spier I et al. Genet Med. 2024 Feb;26(2):100992). Based on the available evidence, the clinical significance of this variant remains unclear.

Labcorp Genetics (formerly Invitae), Labcorp
Classification: Uncertain significance for Familial adenomatous polyposis 1. Last evaluated: 2025-06-16. Review status: criteria provided, single submitter. Criteria: Invitae Variant Classification Sherloc (09022015). Collection method: clinical testing. Allele origin: germline.
Comment: This sequence change replaces proline, which is neutral and non-polar, with serine, which is neutral and polar, at codon 2448 of the APC protein (p.Pro2448Ser). This variant is not present in population databases (gnomAD no frequency). This variant has not been reported in the literature in individuals affected with APC-related conditions. ClinVar contains an entry for this variant (Variation ID: 628916). Invitae Evidence Modeling of protein sequence and biophysical properties (such as structural, functional, and spatial information, amino acid conservation, physicochemical variation, residue mobility, and thermodynamic stability) indicates that this missense variant is not expected to disrupt APC protein function with a negative predictive value of 95%. In summary, the available evidence is currently insufficient to determine the role of this variant in disease. Therefore, it has been classified as a Variant of Uncertain Significance.

Color Diagnostics, LLC DBA Color Health
Classification: Uncertain significance for Hereditary cancer-predisposing syndrome. Last evaluated: 2023-12-05. Review status: criteria provided, single submitter. Criteria: ACMG Guidelines, 2015. Collection method: clinical testing. Allele origin: germline.
Comment: This missense variant replaces proline with serine at codon 2448 of the APC protein. Computational prediction is inconclusive regarding the impact of this variant on protein structure and function (internally defined REVEL score threshold 0.5 < inconclusive < 0.7, PMID: 27666373). To our knowledge, functional studies have not been reported for this variant. This variant has not been reported in individuals affected with APC-related disorders in the literature. This variant has not been identified in the general population by the Genome Aggregation Database (gnomAD). The available evidence is insufficient to determine the role of this variant in disease conclusively. Therefore, this variant is classified as a Variant of Uncertain Significance.

Baylor Genetics
Classification: Uncertain significance for Familial adenomatous polyposis 1. Last evaluated: 2023-08-30. Review status: criteria provided, single submitter. Criteria: ACMG Guidelines, 2015. Collection method: clinical testing. Allele origin: unknown.

GeneDx
Classification: Uncertain significance. Last evaluated: 2019-04-19. Review status: criteria provided, single submitter. Criteria: GeneDx Variant Classification Process June 2021. Collection method: clinical testing. Allele origin: germline. Affected: yes.
Comment: Not observed in large population cohorts (Lek et al., 2016); Has not been previously published as pathogenic or benign to our knowledge